The following is an entry in ClinVar:

NM_000154.2(GALK1):c.238G>T (p.Glu80Ter)

Gene: GALK1 (galactokinase 1; minus strand). Cytogenetic location: 17q25.1.
Variant type: single nucleotide variant.
Coding change: c.238G>T on transcript NM_000154.2 (MANE Select); coding-DNA position 238, G replaced by T.
Protein change: p.Glu80Ter; replaces glutamic acid 80 with a stop codon.
Molecular consequence: nonsense.
Genome position (GRCh38, 1-based): chr17:75,764,014, C>A on the plus strand (G>T on the coding strand, the complement: GALK1 is on the minus strand). VCF-style: chr17-75764014-C-A. GRCh37 (hg19) VCF-style: chr17-73760095-C-A.
Other names: short protein forms E80*.
Identifiers: ClinVar variation 5629 (VCV000005629.5), dbSNP rs104894577, ClinGen allele CA117656.

ClinVar aggregate classification (germline): Pathogenic. Review status: criteria provided, single submitter (1 of 4 stars). 2 submissions from 2 submitters: Pathogenic (1). 1 of the submissions does not count toward it. Last evaluated 2022-12-23.

Conditions:
Deficiency of galactokinase. Also called: GALACTOSEMIA II; Galactokinase deficiency with cataracts. Identifiers: Orphanet 352, Orphanet 79237, MedGen C0268155, MONDO:0009255, OMIM 230200.

Submissions (2):

Labcorp Genetics (formerly Invitae), Labcorp
Classification: Pathogenic for Deficiency of galactokinase. Last evaluated: 2022-12-23. Review status: criteria provided, single submitter. Criteria: Invitae Variant Classification Sherloc (09022015). Collection method: clinical testing. Allele origin: germline.
Comment: For these reasons, this variant has been classified as Pathogenic. Algorithms developed to predict the effect of sequence changes on RNA splicing suggest that this variant may create or strengthen a splice site. ClinVar contains an entry for this variant (Variation ID: 5629). This premature translational stop signal has been observed in individual(s) with galactokinase deficiency galactosemia (PMID: 7670469). This variant is not present in population databases (gnomAD no frequency). This sequence change creates a premature translational stop signal (p.Glu80*) in the GALK1 gene. It is expected to result in an absent or disrupted protein product. Loss-of-function variants in GALK1 are known to be pathogenic (PMID: 7670469, 10790206).

OMIM
Classification: Pathogenic for GALACTOSEMIA II. Last evaluated: 1995-07-01. Review status: no assertion criteria provided. Collection method: literature only. Allele origin: germline. Not counted in ClinVar's aggregate classification.

Literature cited by the submitters: PubMed 7670469 (cited by Labcorp Genetics (formerly Invitae), Labcorp and OMIM); PubMed 10790206 (cited by Labcorp Genetics (formerly Invitae), Labcorp).